The following is an entry in ClinVar:

ClinVar aggregate classification (germline): Uncertain significance (1 of 4 stars; one submission).

Submission:

Labcorp Genetics (formerly Invitae), Labcorp
Classification: Uncertain significance. Last evaluated: 2021-10-10. Review status: criteria provided, single submitter. Criteria: Invitae Variant Classification Sherloc (09022015). Collection method: clinical testing. Allele origin: germline.
Comment: This sequence change replaces alanine with valine at codon 1631 of the RP1 protein (p.Ala1631Val). The alanine residue is moderately conserved and there is a small physicochemical difference between alanine and valine. In summary, the available evidence is currently insufficient to determine the role of this variant in disease. Therefore, it has been classified as a Variant of Uncertain Significance. Algorithms developed to predict the effect of sequence changes on RNA splicing suggest that this variant may create or strengthen a splice site. Algorithms developed to predict the effect of missense changes on protein structure and function (SIFT, PolyPhen-2, Align-GVGD) all suggest that this variant is likely to be tolerated. This variant has not been reported in the literature in individuals affected with RP1-related conditions. This variant is not present in population databases (ExAC no frequency).

NM_006269.2(RP1):c.4892C>T (p.Ala1631Val)

Genes: RP1 (RP1 axonemal microtubule associated; plus strand), LOC126860392 (CDK7 strongly-dependent group 2 enhancer GRCh37_chr8:55541319-55542518; plus strand). Cytogenetic location: 8q12.1.
Variant type: single nucleotide variant.
Coding change: c.4892C>T on transcript NM_006269.2 (MANE Select); coding-DNA position 4892, C replaced by T.
Protein change: p.Ala1631Val; replaces alanine 1631 with valine.
Molecular consequence: missense variant. On other transcripts: intron variant (1).
Genome position (GRCh38, 1-based): chr8:54,628,774, C>T. VCF-style: chr8-54628774-C-T. GRCh37 (hg19) VCF-style: chr8-55541334-C-T.
Other names: c.787+6486C>T (NM_001375654.1); short protein forms A1631V.
Identifiers: ClinVar variation 1358149 (VCV001358149.6), dbSNP rs2129317876, ClinGen allele CA370983485.